The following is an entry in ClinVar:

ClinVar aggregate classification (germline): Likely benign. Review status: criteria provided, multiple submitters, no conflicts (2 of 4 stars). 5 submissions from 5 submitters: Likely benign (3). 2 of the submissions do not count toward it. Last evaluated 2025-02-16.

Conditions:
ACTG1-related disorder. Also called: ACTG1-related disorders; ACTG1-related condition.
Intellectual disability. Also called: Intellectual functioning disability; intellectual disabilities; Intellectual developmental disorder. Identifiers: MedGen C3714756, MeSH D008607, MONDO:0001071, HP:0001249.
Autosomal dominant nonsyndromic hearing loss 20. Identifiers: Orphanet 90635, MedGen C1858172, MONDO:0011480, OMIM 604717.
Baraitser-winter syndrome 2. Identifiers: Orphanet 2995, MedGen C3281235, MONDO:0013812, OMIM 614583.

Allele frequency attached by ClinVar (database versions not stated): gnomAD exomes 0.00006; ESP Exome Variant Server 0.00008; TOPMed 0.00009; gnomAD 0.00011.
gnomAD v4.1: 100 of 1,613,820 alleles (0.0062%); highest among the groups gnomAD compares: Middle Eastern, 0.2%; no homozygotes.

Submissions (5):

Laboratory of Genetics, Children's Clinical University Hospital Latvia
Classification: Likely benign. Last evaluated: 2025-02-16. Review status: criteria provided, single submitter. Criteria: ACMG Guidelines, 2015. Collection method: clinical testing. Allele origin: germline. Affected: yes.

Labcorp Genetics (formerly Invitae), Labcorp
Classification: Likely benign for Baraitser-winter syndrome 2; Autosomal dominant nonsyndromic hearing loss 20. Last evaluated: 2025-02-04. Review status: criteria provided, single submitter. Criteria: Invitae Variant Classification Sherloc (09022015). Collection method: clinical testing. Allele origin: germline.

GeneDx
Classification: Likely benign. Last evaluated: 2018-06-21. Review status: criteria provided, single submitter. Criteria: GeneDx Variant Classification Process June 2021. Collection method: clinical testing. Allele origin: germline. Affected: yes.

PreventionGenetics, part of Exact Sciences
Classification: Likely benign for ACTG1-related condition. Last evaluated: 2024-09-12. Review status: no assertion criteria provided. Collection method: clinical testing. Allele origin: germline. Not counted in ClinVar's aggregate classification.
Comment: This variant is classified as likely benign based on ACMG/AMP sequence variant interpretation guidelines (Richards et al. 2015 PMID: 25741868, with internal and published modifications).

Centre de Biologie Pathologie Génétique, Centre Hospitalier Universitaire de Lille
Classification: Likely benign for Intellectual disability. Last evaluated: 2019-01-01. Review status: no assertion criteria provided. Collection method: clinical testing. Allele origin: inherited. Affected: yes. Not counted in ClinVar's aggregate classification.

NM_001614.5(ACTG1):c.984+7C>T

Gene: ACTG1 (actin gamma 1; minus strand). Cytogenetic location: 17q25.3.
Variant type: single nucleotide variant.
Coding change: c.984+7C>T on transcript NM_001614.5 (MANE Select); 7 bases into the intron after coding-DNA position 984, C replaced by T.
Molecular consequence: intron variant.
Genome position (GRCh38, 1-based): chr17:81,510,920, G>A on the plus strand (C>T on the coding strand, the complement: ACTG1 is on the minus strand). VCF-style: chr17-81510920-G-A. GRCh37 (hg19) VCF-style: chr17-79477946-G-A.
Other names: c.984+7C>T (NM_001199954.3).
Identifiers: ClinVar variation 706325 (VCV000706325.17), dbSNP rs369691985, ClinGen allele CA8835885.